The following is an entry in ClinVar:

NM_000245.4(MET):c.1393-19T>C

Gene: MET (MET proto-oncogene, receptor tyrosine kinase; plus strand). Cytogenetic location: 7q31.2.
Variant type: single nucleotide variant.
Coding change: c.1393-19T>C on transcript NM_000245.4 (MANE Select); 19 bases into the intron before coding-DNA position 1393, T replaced by C.
Molecular consequence: intron variant.
Genome position (GRCh38, 1-based): chr7:116,739,931, T>C. VCF-style: chr7-116739931-T-C. GRCh37 (hg19) VCF-style: chr7-116379985-T-C.
Other names: c.1393-19T>C (NM_001127500.3, NM_001324401.3); c.103-19T>C (NM_001324402.2).
Identifiers: ClinVar variation 1585383 (VCV001585383.9), dbSNP rs995271235, ClinGen allele CA164872694.

ClinVar aggregate classification (germline): Likely benign. Review status: criteria provided, multiple submitters, no conflicts (2 of 4 stars). 2 submissions from 2 submitters: Likely benign (2). Last evaluated 2024-11-07.

Conditions:
Renal cell carcinoma. Identifiers: Orphanet 217071, MedGen C0007134, MeSH D002292, MONDO:0005086, HP:0005584.
Papillary renal cell carcinoma type 1 (RCCP1). Also called: Renal adenocarcinoma; Renal cell carcinoma 1; Renal cell carcinoma, somatic; RENAL CELL CARCINOMA, PAPILLARY, 1, SOMATIC. Identifiers: Orphanet 47044, MedGen C1336839, OMIM 605074, HP:0011797.

Allele frequency attached by ClinVar (database versions not stated): TOPMed 0.00001.

Submissions (2):

Myriad Genetics, Inc.
Classification: Likely benign for Papillary renal cell carcinoma type 1. Last evaluated: 2024-11-07. Review status: criteria provided, single submitter. Criteria: Myriad Autosomal Dominant, Autosomal Recessive and X-Linked Classification Criteria (2023). Collection method: clinical testing. Allele origin: unknown.
Comment: This variant is considered likely benign. This variant is intronic and is not expected to impact mRNA splicing.

Labcorp Genetics (formerly Invitae), Labcorp
Classification: Likely benign for Renal cell carcinoma. Last evaluated: 2022-07-20. Review status: criteria provided, single submitter. Criteria: Invitae Variant Classification Sherloc (09022015). Collection method: clinical testing. Allele origin: germline.